The following is an entry in ClinVar:

NM_000037.4(ANK1):c.1305+1G>T

Gene: ANK1 (ankyrin 1; minus strand). Cytogenetic location: 8p11.21.
Variant type: single nucleotide variant.
Coding change: c.1305+1G>T on transcript NM_000037.4 (MANE Select); the canonical splice donor site of the intron after coding-DNA position 1305, G replaced by T.
Molecular consequence: splice donor variant.
Genome position (GRCh38, 1-based): chr8:41,717,603, C>A on the plus strand (G>T on the coding strand, the complement: ANK1 is on the minus strand). VCF-style: chr8-41717603-C-A. GRCh37 (hg19) VCF-style: chr8-41575121-C-A.
Other names: c.1404+1G>T (NM_001142446.2); c.1305+1G>T (NM_020477.3, NM_020475.3, NM_020476.3).
Identifiers: ClinVar variation 4723463 (VCV004723463.1).
Genomic context (GRCh38, chr8:41,717,603, plus strand): 5'-GAAAGCTGCCCTCTGAGCTCTTGGTCTAGGGGAGCAAGCCCCTGCCTGCCTGAGGGCTTA[C>A]CACGTTGGAGACGTTGGGCGACGCCCCCCGCTGCAGGAGGTTCTTCACGATGGGAAGGTG-3'

ClinVar aggregate classification (germline): Likely pathogenic (1 of 4 stars; one submission).

Submission:

Labcorp Genetics (formerly Invitae), Labcorp
Classification: Likely pathogenic. Last evaluated: 2025-07-18. Review status: criteria provided, single submitter. Criteria: Invitae Variant Classification Sherloc (09022015). Collection method: clinical testing. Allele origin: germline.
Comment: This sequence change affects a donor splice site in intron 12 of the ANK1 gene. It is expected to disrupt RNA splicing. Variants that disrupt the donor or acceptor splice site typically lead to a loss of protein function (PMID: 16199547), and loss-of-function variants in ANK1 are known to be pathogenic (PMID: 8640229). This variant is not present in population databases (gnomAD no frequency). Disruption of this splice site has been observed in individual(s) with hereditary spherocytosis (PMID: 36203343; internal data). Algorithms developed to predict the effect of sequence changes on RNA splicing suggest that this variant may disrupt the consensus splice site. In summary, the currently available evidence indicates that the variant is pathogenic, but additional data are needed to prove that conclusively. Therefore, this variant has been classified as Likely Pathogenic.

Literature cited by the submitters: PubMed 16199547; PubMed 8640229; PubMed 36203343.